The following is an entry in ClinVar:

ClinVar aggregate classification (germline): Uncertain significance. Review status: criteria provided, single submitter (1 of 4 stars). 2 submissions from 2 submitters: Uncertain significance (1). 1 of the submissions does not count toward it. Last evaluated 2021-08-28.

Conditions:
Walker-Warburg congenital muscular dystrophy. Also called: Muscular dystrophy-dystroglycanopathy, type A; Walker-Warburg syndrome. Identifiers: Orphanet 899, MedGen C0265221, MONDO:0000171.

Submissions (2):

Labcorp Genetics (formerly Invitae), Labcorp
Classification: Uncertain significance for Walker-Warburg congenital muscular dystrophy. Last evaluated: 2021-08-28. Review status: criteria provided, single submitter. Criteria: Invitae Variant Classification Sherloc (09022015). Collection method: clinical testing. Allele origin: germline.
Comment: This sequence change replaces isoleucine with asparagine at codon 163 of the FKTN protein (p.Ile163Asn). The isoleucine residue is weakly conserved and there is a large physicochemical difference between isoleucine and asparagine. This variant is not present in population databases (ExAC no frequency). This variant has not been reported in the literature in individuals affected with FKTN-related conditions. Algorithms developed to predict the effect of missense changes on protein structure and function are either unavailable or do not agree on the potential impact of this missense change (SIFT: "Deleterious"; PolyPhen-2: "Benign"; Align-GVGD: "Class C35"). In summary, the available evidence is currently insufficient to determine the role of this variant in disease. Therefore, it has been classified as a Variant of Uncertain Significance.

Natera, Inc.
Classification: Uncertain significance for Walker-Warburg congenital muscular dystrophy. Last evaluated: 2021-06-18. Review status: no assertion criteria provided. Collection method: clinical testing. Allele origin: germline. Not counted in ClinVar's aggregate classification.

NM_001079802.2(FKTN):c.488T>A (p.Ile163Asn)

Gene: FKTN (fukutin; plus strand). Cytogenetic location: 9q31.2.
Variant type: single nucleotide variant.
Coding change: c.488T>A on transcript NM_001079802.2 (MANE Select); coding-DNA position 488, T replaced by A.
Protein change: p.Ile163Asn; replaces isoleucine 163 with asparagine.
Molecular consequence: missense variant. On other transcripts: non-coding transcript variant (2).
Genome position (GRCh38, 1-based): chr9:105,604,333, T>A. VCF-style: chr9-105604333-T-A. GRCh37 (hg19) VCF-style: chr9-108366614-T-A.
Other names: c.488T>A, p.Ile163Asn (NM_001198963.2, NM_001351496.2, NM_001351498.2 and 1 more transcripts); c.419T>A, p.Ile140Asn (NM_001351497.2); c.92T>A, p.Ile31Asn (NM_001351499.2, NM_001351500.2, NM_001351501.2 and 1 more transcripts); short protein forms I163N, I140N, I31N.
Identifiers: ClinVar variation 952904 (VCV000952904.11), dbSNP rs1828461999, ClinGen allele CA374332100.